The following is an entry in ClinVar:

NM_000083.3(CLCN1):c.645G>T (p.Lys215Asn)

Gene: CLCN1 (chloride voltage-gated channel 1; plus strand). Cytogenetic location: 7q34.
Variant type: single nucleotide variant.
Coding change: c.645G>T on transcript NM_000083.3 (MANE Select); coding-DNA position 645, G replaced by T.
Protein change: p.Lys215Asn; replaces lysine 215 with asparagine.
Molecular consequence: missense variant. On other transcripts: non-coding transcript variant (1).
Genome position (GRCh38, 1-based): chr7:143,321,797, G>T. VCF-style: chr7-143321797-G-T. GRCh37 (hg19) VCF-style: chr7-143018890-G-T.
Other names: short protein forms K215N.
Identifiers: ClinVar variation 4787553 (VCV004787553.1).

ClinVar aggregate classification (germline): Likely pathogenic (1 of 4 stars; one submission).

Conditions:
Congenital myotonia, autosomal dominant form (THD). Also called: THOMSEN DISEASE; Myotonia congenita autosomal dominant. Identifiers: Orphanet 614, MedGen C2936781, MONDO:0008055, OMIM 160800.
Congenital myotonia, autosomal recessive form. Also called: BECKER DISEASE; Becker Generalized Myotonia; myotonia congenita, autosomal recessive. Identifiers: Orphanet 614, MedGen C0751360, MONDO:0009715, OMIM 255700.

Submission:

Labcorp Genetics (formerly Invitae), Labcorp
Classification: Likely pathogenic for Congenital myotonia, autosomal recessive form; Congenital myotonia, autosomal dominant form. Last evaluated: 2025-02-23. Review status: criteria provided, single submitter. Criteria: Invitae Variant Classification Sherloc (09022015). Collection method: clinical testing. Allele origin: germline.
Comment: This sequence change replaces lysine, which is basic and polar, with asparagine, which is neutral and polar, at codon 215 of the CLCN1 protein (p.Lys215Asn). This variant is not present in population databases (gnomAD no frequency). This missense change has been observed in individual(s) with autosomal dominant myotonia congenita (PMID: 29546603). Invitae Evidence Modeling of protein sequence and biophysical properties (such as structural, functional, and spatial information, amino acid conservation, physicochemical variation, residue mobility, and thermodynamic stability) indicates that this missense variant is expected to disrupt CLCN1 protein function with a positive predictive value of 95%. This variant disrupts the p.Lys215 amino acid residue in CLCN1. Other variant(s) that disrupt this residue have been determined to be pathogenic (PMID: 35907044; internal data). This suggests that this residue is clinically significant, and that variants that disrupt this residue are likely to be disease-causing. In summary, the currently available evidence indicates that the variant is pathogenic, but additional data are needed to prove that conclusively. Therefore, this variant has been classified as Likely Pathogenic.

Literature cited by the submitters: PubMed 29546603; PubMed 35907044.